The following is an entry in ClinVar:

ClinVar aggregate classification (germline): Pathogenic/Likely pathogenic. Review status: criteria provided, multiple submitters, no conflicts (2 of 4 stars). 2 submissions from 2 submitters: Pathogenic (1); Likely pathogenic (1). Last evaluated 2024-08-12.

Conditions:
Early-infantile DEE. Also called: Early infantile epileptic encephalopathy; Ohtahara syndrome; Early infantile epileptic encephalopathy with suppression bursts. Identifiers: Orphanet 1934, MedGen C0393706, MONDO:0800491.

Submissions (2):

Labcorp Genetics (formerly Invitae), Labcorp
Classification: Pathogenic for Early-infantile DEE. Last evaluated: 2024-08-12. Review status: criteria provided, single submitter. Criteria: Invitae Variant Classification Sherloc (09022015). Collection method: clinical testing. Allele origin: germline.
Comment: This sequence change replaces isoleucine, which is neutral and non-polar, with threonine, which is neutral and polar, at codon 1867 of the SCN1A protein (p.Ile1867Thr). This variant is not present in population databases (gnomAD no frequency). This missense change has been observed in individuals with genetic epilepsy with febrile seizures plus (PMID: 18251839, 21248271). It has also been observed to segregate with disease in related individuals. ClinVar contains an entry for this variant (Variation ID: 430087). Advanced modeling of protein sequence and biophysical properties (such as structural, functional, and spatial information, amino acid conservation, physicochemical variation, residue mobility, and thermodynamic stability) performed at Invitae indicates that this missense variant is expected to disrupt SCN1A protein function with a positive predictive value of 95%. For these reasons, this variant has been classified as Pathogenic.

GeneDx
Classification: Likely pathogenic. Last evaluated: 2015-12-09. Review status: criteria provided, single submitter. Criteria: GeneDx Variant Classification (06012015). Collection method: clinical testing. Allele origin: germline. Affected: yes.
Comment: The I1867T variant has been previously reported in 12 related individuals affected with GEFS+, 2 of whom had sudden unexplained death in epilepsy (SUDEP) (Hindocha et al., 2008). It was not observed in approximately 6,500 individuals of European and African American ancestry in the NHLBI Exome Sequencing Project, indicating it is not a common benign variant in these populations. The I1867T variant is a non-conservative amino acid substitution, which is likely to impact secondary protein structure as these residues differ in polarity, charge, size and/or other properties. This substitution occurs at a conserved position in the N-terminal cytoplasmic domain. In silico analysis predicts this variant is probably damaging to the protein structure/function. Therefore, this variant is likely pathogenic; however, the possibility that it is benign cannot be excluded.

Literature cited by the submitters: PubMed 18251839 (cited by Labcorp Genetics (formerly Invitae), Labcorp); PubMed 21248271 (cited by Labcorp Genetics (formerly Invitae), Labcorp).

NM_001165963.4(SCN1A):c.5600T>C (p.Ile1867Thr)

Genes: SCN1A (sodium voltage-gated channel alpha subunit 1; minus strand), LOC102724058 (uncharacterized LOC102724058; plus strand). Cytogenetic location: 2q24.3.
Variant type: single nucleotide variant.
Coding change: c.5600T>C on transcript NM_001165963.4 (MANE Select); coding-DNA position 5600, T replaced by C.
Protein change: p.Ile1867Thr; replaces isoleucine 1867 with threonine.
Molecular consequence: missense variant. On other transcripts: non-coding transcript variant (1).
Genome position (GRCh38, 1-based): chr2:165,991,675, A>G on the plus strand (T>C on the coding strand, the complement: SCN1A is on the minus strand). VCF-style: chr2-165991675-A-G. GRCh37 (hg19) VCF-style: chr2-166848185-A-G.
Other names: c.5516T>C, p.Ile1839Thr (NM_001165964.3, NM_001353957.2, NM_001353958.2); c.5600T>C, p.Ile1867Thr (NM_001202435.3, NM_001353948.2); c.5567T>C, p.Ile1856Thr (NM_001353949.2, NM_001353950.2, NM_001353951.2 and 2 more transcripts); c.5564T>C, p.Ile1855Thr (NM_001353954.2, NM_001353955.2); c.5513T>C, p.Ile1838Thr (NM_001353960.2); c.3158T>C, p.Ile1053Thr (NM_001353961.2); short protein forms I1856T, I1867T, I1053T, I1838T, I1839T, I1855T.
Identifiers: ClinVar variation 430087 (VCV000430087.6), dbSNP rs1131691773, ClinGen allele CA349065249.